The following is an entry in ClinVar:

NM_006393.3(NEBL):c.2945T>C (p.Val982Ala)

Gene: NEBL (nebulette; minus strand). Cytogenetic location: 10p12.31.
Variant type: single nucleotide variant.
Coding change: c.2945T>C on transcript NM_006393.3 (MANE Select); coding-DNA position 2945, T replaced by C.
Protein change: p.Val982Ala; replaces valine 982 with alanine.
Molecular consequence: missense variant. On other transcripts: 3 prime UTR variant (1).
Genome position (GRCh38, 1-based): chr10:20,785,847, A>G on the plus strand (T>C on the coding strand, the complement: NEBL is on the minus strand). VCF-style: chr10-20785847-A-G. GRCh37 (hg19) VCF-style: chr10-21074776-A-G.
Other names: c.*36T>C (NM_001173484.2); c.806T>C, p.Val269Ala (NM_001377322.1); c.665T>C, p.Val222Ala (NM_001377323.1); c.656T>C, p.Val219Ala (NM_001377324.1); c.647T>C, p.Val216Ala (NM_001377325.1); c.605T>C, p.Val202Ala (NM_001377326.1, NM_001377327.1, NM_001377328.1); c.713T>C, p.Val238Ala (NM_213569.2); short protein forms V202A, V216A, V219A, V222A, V238A, V269A, V982A.
Identifiers: ClinVar variation 3225572 (VCV003225572.1), dbSNP rs2491367132, ClinGen allele CA376092201.

ClinVar aggregate classification (germline): Uncertain significance (1 of 4 stars; one submission).

Submission:

Ambry Genetics
Classification: Uncertain significance. Last evaluated: 2023-11-01. Review status: criteria provided, single submitter. Criteria: Ambry Variant Classification Scheme 2023. Collection method: clinical testing. Allele origin: germline.
Comment: The p.V982A variant (also known as c.2945T>C), located in coding exon 28 of the NEBL gene, results from a T to C substitution at nucleotide position 2945. The valine at codon 982 is replaced by alanine, an amino acid with similar properties. This amino acid position is conserved. In addition, this alteration is predicted to be tolerated by in silico analysis. Since supporting evidence is limited at this time, the clinical significance of this alteration remains unclear.